The following is an entry in ClinVar:

ClinVar aggregate classification (germline): Uncertain significance (1 of 4 stars; one submission).

Conditions:
Dehydrated hereditary stomatocytosis with or without pseudohyperkalemia and/or perinatal edema (DHS1). Also called: PSEUDOHYPERKALEMIA EDINBURGH; DEHYDRATED HEREDITARY STOMATOCYTOSIS AND PSEUDOHYPERKALEMIA; DEHYDRATED HEREDITARY STOMATOCYTOSIS WITH PSEUDOHYPERKALEMIA AND PERINATAL EDEMA; Pseudohyperkalemia, familial, 1, due to red cell leak; Dehydrated hereditary stomatocytosis 1 with or without pseudohyperkalemia and/or perinatal edema. Identifiers: Orphanet 3202, MedGen C4551512, MONDO:0008689, OMIM 194380.

Submission:

Baylor Genetics
Classification: Uncertain significance for Dehydrated hereditary stomatocytosis with or without pseudohyperkalemia and/or perinatal edema. Last evaluated: 2019-09-26. Review status: criteria provided, single submitter. Criteria: ACMG Guidelines, 2015. Collection method: clinical testing. Allele origin: unknown. Affected: yes.
Comment: This variant was determined to be of uncertain significance according to ACMG Guidelines, 2015 [PMID:25741868].

NM_001142864.4(PIEZO1):c.849-5G>A

Genes: HSALR1 (HSP90AB1 associated lncRNA 1; plus strand), PIEZO1 (piezo type mechanosensitive ion channel component 1 (Er blood group); minus strand). Cytogenetic location: 16q24.3.
Variant type: single nucleotide variant.
Coding change: c.849-5G>A on transcript NM_001142864.4 (MANE Select); 5 bases into the intron before coding-DNA position 849, G replaced by A.
Molecular consequence: intron variant. On other transcripts: non-coding transcript variant (1).
Genome position (GRCh38, 1-based): chr16:88,738,110, C>T on the plus strand (G>A on the coding strand, the complement: PIEZO1 is on the minus strand). VCF-style: chr16-88738110-C-T. GRCh37 (hg19) VCF-style: chr16-88804518-C-T.
Identifiers: ClinVar variation 1030208 (VCV001030208.1), dbSNP rs1905373372, ClinGen allele CA497367468.